The following is an entry in ClinVar:

NM_020435.4(GJC2):c.85_86dup (p.Val30fs)

Gene: GJC2 (gap junction protein gamma 2; plus strand). Cytogenetic location: 1q42.13.
Variant type: Duplication.
Coding change: c.85_86dup on transcript NM_020435.4 (MANE Select); coding-DNA positions 85 to 86, 2 bases duplicated (AC; older notation c.85_86dupAC).
Protein change: p.Val30fs; shifts the reading frame from valine 30.
Molecular consequence: frameshift variant.
Genome position (GRCh38, 1-based): chr1:228,157,843-228,157,844, AC duplicated; duplicating any 2 consecutive bases within chr1:228,157,842-228,157,844 gives the same sequence; the c. name uses the placement nearest the transcript's 3' end. VCF-style (leftmost placement, unchanged base first): chr1-228157841-T-TCA. GRCh37 (hg19) VCF-style: chr1-228345542-T-TCA.
Other names: c.85_86dupAC (NM_020435.3); short protein forms V30fs.
Identifiers: ClinVar variation 571339 (VCV000571339.9), dbSNP rs1558119445, ClinGen allele CA891843034.

ClinVar aggregate classification (germline): Likely pathogenic (1 of 4 stars; one submission).

Conditions:
Spastic paraplegia. Identifiers: MedGen C0037772, HP:0001258.

Submission:

Labcorp Genetics (formerly Invitae), Labcorp
Classification: Likely pathogenic for Spastic paraplegia. Last evaluated: 2018-06-28. Review status: criteria provided, single submitter. Criteria: Invitae Variant Classification Sherloc (09022015). Collection method: clinical testing. Allele origin: germline.
Comment: This sequence change results in a premature translational stop signal in the GJC2 gene (p.Val30Argfs*10). While this is not anticipated to result in nonsense mediated decay, it is expected to disrupt the last 410 amino acids of the GJC2 protein. This variant is not present in population databases (ExAC no frequency). This variant has not been reported in the literature in individuals with GJC2-related disease. Other truncations (p.Arg125*, p.Tyr232*, p.Arg240*) that lie downstream of this variant have been reported in individuals affected with Pelizaeus-Merzbacher-like disease disease (PMID: 20513814, 18094336, 15192806). In summary, the currently available evidence indicates that the variant is pathogenic, but additional data are needed to prove that conclusively. Therefore, this variant has been classified as Likely Pathogenic.

Literature cited by the submitters: PubMed 20513814; PubMed 18094336; PubMed 15192806.